The following is an entry in ClinVar:

ClinVar aggregate classification (germline): Uncertain significance. Review status: criteria provided, multiple submitters, no conflicts (2 of 4 stars). 2 submissions from 2 submitters: Uncertain significance (2). Last evaluated 2022-02-24.

Conditions:
Fanconi anemia (FA). Also called: Fanconi's anemia. Identifiers: Orphanet 84, MedGen C0015625, MeSH D005199, MONDO:0019391.
Fanconi anemia complementation group D2. Also called: FANCD2-Related Fanconi Anemia; FANCONI PANCYTOPENIA, TYPE 4; FANCONI ANEMIA, COMPLEMENTATION GROUP D. Identifiers: Orphanet 84, MedGen C3160738, MONDO:0009214, OMIM 227646.

Submissions (2):

Labcorp Genetics (formerly Invitae), Labcorp
Classification: Uncertain significance for Fanconi anemia. Last evaluated: 2022-02-24. Review status: criteria provided, single submitter. Criteria: Invitae Variant Classification Sherloc (09022015). Collection method: clinical testing. Allele origin: germline.
Comment: In summary, the available evidence is currently insufficient to determine the role of this variant in disease. Therefore, it has been classified as a Variant of Uncertain Significance. Algorithms developed to predict the effect of sequence changes on RNA splicing suggest that this variant may create or strengthen a splice site. Algorithms developed to predict the effect of missense changes on protein structure and function are either unavailable or do not agree on the potential impact of this missense change (SIFT: "Tolerated"; PolyPhen-2: "Possibly Damaging"; Align-GVGD: "Class C0"). ClinVar contains an entry for this variant (Variation ID: 998267). This variant has not been reported in the literature in individuals affected with FANCD2-related conditions. This variant is not present in population databases (gnomAD no frequency). This sequence change replaces aspartic acid, which is acidic and polar, with valine, which is neutral and non-polar, at codon 12 of the FANCD2 protein (p.Asp12Val).

Baylor Genetics
Classification: Uncertain significance for Fanconi anemia complementation group D2. Last evaluated: 2019-09-25. Review status: criteria provided, single submitter. Criteria: ACMG Guidelines, 2015. Collection method: clinical testing. Allele origin: unknown. Affected: yes. Study: CSER-TexasKidsCanSeq.
Comment: This variant was determined to be of uncertain significance according to ACMG Guidelines, 2015 [PMID:25741868].

NM_001018115.3(FANCD2):c.35A>T (p.Asp12Val)

Gene: FANCD2 (FA complementation group D2; plus strand). Cytogenetic location: 3p25.3.
Variant type: single nucleotide variant.
Coding change: c.35A>T on transcript NM_001018115.3 (MANE Select); coding-DNA position 35, A replaced by T.
Protein change: p.Asp12Val; replaces aspartic acid 12 with valine.
Molecular consequence: missense variant.
Genome position (GRCh38, 1-based): chr3:10,028,692, A>T. VCF-style: chr3-10028692-A-T. GRCh37 (hg19) VCF-style: chr3-10070376-A-T.
Other names: c.35A>T, p.Asp12Val (NM_001319984.2, NM_001374253.1, NM_001374254.1 and 2 more transcripts); short protein forms D12V.
Identifiers: ClinVar variation 998267 (VCV000998267.6), dbSNP rs2086517367, ClinGen allele CA351715704.
Genomic context (GRCh38, chr3:10,028,692, plus strand): 5'-TTTAAGTGCACAAGACATTGGTCAAAATGGTTTCCAAAAGAAGACTGTCAAAATCTGAGG[A>T]TAAAGAGAGCCTGACAGAAGATGCCTCCAGTAAGTATCTAGTCATTTGTTGCTTTATTTC-3'
Protein context (NP_001018125.1, residues 2-22): VSKRRLSKSE[Asp12Val]KESLTEDASK